The following is an entry in ClinVar:

NM_022455.5(NSD1):c.4912C>T (p.His1638Tyr)

Gene: NSD1 (nuclear receptor binding SET domain protein 1; plus strand). Cytogenetic location: 5q35.3.
Variant type: single nucleotide variant.
Coding change: c.4912C>T on transcript NM_022455.5 (MANE Select); coding-DNA position 4912, C replaced by T.
Protein change: p.His1638Tyr; replaces histidine 1638 with tyrosine.
Molecular consequence: missense variant.
Genome position (GRCh38, 1-based): chr5:177,257,097, C>T. VCF-style: chr5-177257097-C-T. GRCh37 (hg19) VCF-style: chr5-176684098-C-T.
Other names: c.4039C>T, p.His1347Tyr (NM_001365684.2, NM_001409308.1, NM_001409309.1 and 1 more transcripts); c.4912C>T, p.His1638Tyr (NM_001409301.1, NM_001409302.1, NM_001409303.1); c.4492C>T, p.His1498Tyr (NM_001409304.1); c.4159C>T, p.His1387Tyr (NM_001409305.1); c.4150C>T, p.His1384Tyr (NM_001409306.1, NM_001409307.1); short protein forms H1638Y, H1369Y, H1347Y, H1387Y, H1384Y, H1498Y.
Identifiers: ClinVar variation 423674 (VCV000423674.10), dbSNP rs1064796568, ClinGen allele CA16618177.

ClinVar aggregate classification (germline): Pathogenic/Likely pathogenic. Review status: criteria provided, multiple submitters, no conflicts (2 of 4 stars). 2 submissions from 2 submitters: Pathogenic (1); Likely pathogenic (1). Last evaluated 2024-05-20.

Submissions (2):

Labcorp Genetics (formerly Invitae), Labcorp
Classification: Pathogenic. Last evaluated: 2024-05-20. Review status: criteria provided, single submitter. Criteria: Invitae Variant Classification Sherloc (09022015). Collection method: clinical testing. Allele origin: germline.
Comment: This sequence change replaces histidine, which is basic and polar, with tyrosine, which is neutral and polar, at codon 1638 of the NSD1 protein (p.His1638Tyr). This variant is not present in population databases (gnomAD no frequency). This missense change has been observed in individual(s) with NSD1-related conditions (Invitae). In at least one individual the variant was observed to be de novo. ClinVar contains an entry for this variant (Variation ID: 423674). Advanced modeling of protein sequence and biophysical properties (such as structural, functional, and spatial information, amino acid conservation, physicochemical variation, residue mobility, and thermodynamic stability) performed at Invitae indicates that this missense variant is expected to disrupt NSD1 protein function with a positive predictive value of 95%. For these reasons, this variant has been classified as Pathogenic.

GeneDx
Classification: Likely pathogenic. Last evaluated: 2017-02-16. Review status: criteria provided, single submitter. Criteria: GeneDx Variant Classification (06012015). Collection method: clinical testing. Allele origin: germline. Affected: yes.
Comment: The H1638Y variant in the NSD1 gene has not been reported previously as a pathogenic variant, nor as a benign variant, to our knowledge. The H1638Y variant is not observed in large population cohorts (Lek et al., 2016; 1000 Genomes Consortium et al., 2015; Exome Variant Server). The H1638Y variant is a non-conservative amino acid substitution, which is likely to impact secondary protein structure as these residues differ in polarity, charge, size and/or other properties. This substitution occurs at a position that is conserved across species. In silico analysis predicts this variant is probably damaging to the protein structure/function. Missense variants in nearby residues (L1637P, C1640Y, C1643G) have been reported in the Human Gene Mutation Database in association with Sotos syndrome (Stenson et al., 2014), supporting the functional importance of this region of the protein.The H1638Y variant is a strong candidate for a pathogenic variant.